The following is an entry in ClinVar:

NM_000038.6(APC):c.5564G>C (p.Cys1855Ser)

Gene: APC (APC regulator of Wnt signaling pathway; plus strand). Cytogenetic location: 5q22.2.
Variant type: single nucleotide variant.
Coding change: c.5564G>C on transcript NM_000038.6 (MANE Select); coding-DNA position 5564, G replaced by C.
Protein change: p.Cys1855Ser; replaces cysteine 1855 with serine.
Molecular consequence: missense variant. On other transcripts: non-coding transcript variant (2).
Genome position (GRCh38, 1-based): chr5:112,841,158, G>C. VCF-style: chr5-112841158-G-C. GRCh37 (hg19) VCF-style: chr5-112176855-G-C.
Other names: c.5564G>C, p.Cys1855Ser (NM_001127510.3, NM_001354895.2, NM_001407450.1); c.5510G>C, p.Cys1837Ser (NM_001127511.3); c.5618G>C, p.Cys1873Ser (NM_001354896.2, NM_001407447.1, NM_001407448.1 and 1 more transcripts); c.5594G>C, p.Cys1865Ser (NM_001354897.2); c.5489G>C, p.Cys1830Ser (NM_001354898.2); c.5480G>C, p.Cys1827Ser (NM_001354899.2); c.5441G>C, p.Cys1814Ser (NM_001354900.2); c.5387G>C, p.Cys1796Ser (NM_001354901.2, NM_001407453.1); and 11 more; short protein forms C1827S, C1471S, C1754S, C1764S, C1772S, C1814S, C1837S, C1845S.
Identifiers: ClinVar variation 3635488 (VCV003635488.2).

ClinVar aggregate classification (germline): Uncertain significance (1 of 4 stars; one submission).

Conditions:
Familial adenomatous polyposis 1 (FAP1). Also called: FAMILIAL ADENOMATOUS POLYPOSIS 1, ATTENUATED; POLYPOSIS, ADENOMATOUS INTESTINAL. Identifiers: MedGen C2713442, MONDO:0021056, OMIM 175100. Disease mechanism: loss of function.

Submission:

Labcorp Genetics (formerly Invitae), Labcorp
Classification: Uncertain significance for Familial adenomatous polyposis 1. Last evaluated: 2025-01-02. Review status: criteria provided, single submitter. Criteria: Invitae Variant Classification Sherloc (09022015). Collection method: clinical testing. Allele origin: germline.
Comment: This sequence change replaces cysteine, which is neutral and slightly polar, with serine, which is neutral and polar, at codon 1855 of the APC protein (p.Cys1855Ser). This variant is not present in population databases (gnomAD no frequency). This variant has not been reported in the literature in individuals affected with APC-related conditions. Invitae Evidence Modeling of protein sequence and biophysical properties (such as structural, functional, and spatial information, amino acid conservation, physicochemical variation, residue mobility, and thermodynamic stability) indicates that this missense variant is not expected to disrupt APC protein function with a negative predictive value of 95%. In summary, the available evidence is currently insufficient to determine the role of this variant in disease. Therefore, it has been classified as a Variant of Uncertain Significance.